The following is an entry in ClinVar:

NM_182943.3(PLOD2):c.2122-8T>A

Gene: PLOD2 (procollagen-lysine,2-oxoglutarate 5-dioxygenase 2; minus strand). Cytogenetic location: 3q24.
Variant type: single nucleotide variant.
Coding change: c.2122-8T>A on transcript NM_182943.3 (MANE Select); 8 bases into the intron before coding-DNA position 2122, T replaced by A.
Molecular consequence: intron variant.
Genome position (GRCh38, 1-based): chr3:146,070,880, A>T on the plus strand (T>A on the coding strand, the complement: PLOD2 is on the minus strand). VCF-style: chr3-146070880-A-T. GRCh37 (hg19) VCF-style: chr3-145788667-A-T.
Other names: c.2059-8T>A (NM_000935.3).
Identifiers: ClinVar variation 2581591 (VCV002581591.3), dbSNP rs766060544, ClinGen allele CA2654672.

ClinVar aggregate classification (germline): Uncertain significance. Review status: criteria provided, single submitter (1 of 4 stars). 2 submissions from 2 submitters: Uncertain significance (1). 1 of the submissions does not count toward it. Last evaluated 2023-08-08.

Conditions:
PLOD2-related disorder. Also called: PLOD2-related condition.

Allele frequency attached by ClinVar (database versions not stated): TOPMed below 0.00001; ExAC 0.00001.

Submissions (2):

Women's Health and Genetics/Laboratory Corporation of America, LabCorp
Classification: Uncertain significance. Last evaluated: 2023-08-08. Review status: criteria provided, single submitter. Criteria: LabCorp Variant Classification Summary - May 2015. Collection method: clinical testing. Allele origin: germline.
Comment: Variant summary: PLOD2 c.2122-8T>A alters a non-conserved nucleotide located close to a canonical splice site of Intron 19 (the last intron of PLOD2) and therefore could affect mRNA splicing, leading to a significantly altered protein sequence. Computational tools predict no significant impact on normal splicing. However, these predictions have yet to be confirmed by functional studies. The variant allele was found at a frequency of 4.2e-06 in 240082 control chromosomes (gnomAD). The available data on variant occurrences in the general population are insufficient to allow any conclusion about variant significance. To our knowledge, no occurrence of c.2122-8T>A in individuals affected with Osteogenesis Imperfecta and no experimental evidence demonstrating its impact on protein function have been reported. This variant was found to co-occur in cis with c.2122-2A>G in at least one individual identified at our laboratory. However, to our knowledge, no reports of these two variants in cis have been reported in the literature. No submitters have cited clinical-significance assessments for this variant to ClinVar after 2014. Based on the evidence outlined above, the variant was classified as uncertain significance.

PreventionGenetics, part of Exact Sciences
Classification: Likely benign for PLOD2-related condition. Last evaluated: 2023-05-22. Review status: no assertion criteria provided. Collection method: clinical testing. Allele origin: germline. Not counted in ClinVar's aggregate classification.
Comment: This variant is classified as likely benign based on ACMG/AMP sequence variant interpretation guidelines (Richards et al. 2015 PMID: 25741868, with internal and published modifications).